The following is an entry in ClinVar:

NM_152713.5(STT3A):c.272-2A>G

Gene: STT3A (STT3 oligosaccharyltransferase complex catalytic subunit A; plus strand). Cytogenetic location: 11q24.2.
Variant type: single nucleotide variant.
Coding change: c.272-2A>G on transcript NM_152713.5 (MANE Select); the canonical splice acceptor site of the intron before coding-DNA position 272, A replaced by G.
Molecular consequence: splice acceptor variant.
Genome position (GRCh38, 1-based): chr11:125,602,801, A>G. VCF-style: chr11-125602801-A-G. GRCh37 (hg19) VCF-style: chr11-125472696-A-G.
Other names: c.272-2A>G (NM_001278503.2); c.-5-2A>G (NM_001278504.2).
Identifiers: ClinVar variation 4885688 (VCV004885688.2).

ClinVar aggregate classification (germline): Uncertain significance (1 of 4 stars; one submission).

gnomAD v4.1: 1 of 1,614,114 alleles (0.000062%); highest among the groups gnomAD compares: Non-Finnish European, 0.000085%; no homozygotes.

Submission:

Dasa
Classification: Uncertain significance. Last evaluated: 2026-01-21. Review status: criteria provided, single submitter. Criteria: DASA Assertion Criteria. Collection method: clinical testing. Allele origin: germline.
Comment: NM_152713.5(STT3A):c.272-2A>G affects a canonical splice site and is predicted to disrupt normal RNA splicing. This variant is rare in population databases. The currently available literature and clinical evidence are not sufficient to establish a definitive association between this variant and the reported condition. Therefore, this variant is classified as a variant of uncertain significance.